The following is an entry in ClinVar:

ClinVar aggregate classification (germline): Benign. Review status: criteria provided, single submitter (1 of 4 stars). 2 submissions from 2 submitters: Benign (1). 1 of the submissions does not count toward it. Last evaluated 2025-08-25.

Conditions:
DYNC1I1-related disorder. Also called: DYNC1I1-related condition.

Allele frequency attached by ClinVar (database versions not stated): gnomAD exomes 0.00052 and 0.00123; ExAC 0.00157; 1000 Genomes Project 0.00399; 1000 Genomes Project 30x 0.00437; TOPMed 0.00565; ESP Exome Variant Server 0.00592.

Submissions (2):

Labcorp Genetics (formerly Invitae), Labcorp
Classification: Benign. Last evaluated: 2025-08-25. Review status: criteria provided, single submitter. Criteria: Invitae Variant Classification Sherloc (09022015). Collection method: clinical testing. Allele origin: germline.

PreventionGenetics, part of Exact Sciences
Classification: Benign for DYNC1I1-related condition. Last evaluated: 2024-06-22. Review status: no assertion criteria provided. Collection method: clinical testing. Allele origin: germline. Not counted in ClinVar's aggregate classification.
Comment: This variant is classified as benign based on ACMG/AMP sequence variant interpretation guidelines (Richards et al. 2015 PMID: 25741868, with internal and published modifications).

NM_001135556.2(DYNC1I1):c.140A>C (p.Gln47Pro)

Gene: DYNC1I1 (dynein cytoplasmic 1 intermediate chain 1; plus strand). Cytogenetic location: 7q21.3.
Variant type: single nucleotide variant.
Coding change: c.140A>C on transcript NM_001135556.2 (MANE Select); coding-DNA position 140, A replaced by C.
Protein change: p.Gln47Pro; replaces glutamine 47 with proline.
Molecular consequence: missense variant.
Genome position (GRCh38, 1-based): chr7:95,810,423, A>C. VCF-style: chr7-95810423-A-C. GRCh37 (hg19) VCF-style: chr7-95439735-A-C.
Other names: c.140A>C, p.Gln47Pro (NM_001135557.2, NM_001278421.2, NM_001278422.2 and 1 more transcripts); c.140A>C (NM_004411.4); short protein forms Q47P.
Identifiers: ClinVar variation 1599379 (VCV001599379.10), dbSNP rs76250658, ClinGen allele CA4352122.